The following is an entry in ClinVar:

ClinVar aggregate classification (germline): Likely benign (0 of 4 stars; one submission).

Conditions:
CRY1-related disorder. Also called: CRY1-related condition.

Allele frequency attached by ClinVar (database versions not stated): 1000 Genomes Project 30x 0.00031; 1000 Genomes Project 0.00040; ESP Exome Variant Server 0.00100.

Submission:

PreventionGenetics, part of Exact Sciences
Classification: Likely benign for CRY1-related condition. Last evaluated: 2019-05-23. Review status: no assertion criteria provided. Collection method: clinical testing. Allele origin: germline.
Comment: This variant is classified as likely benign based on ACMG/AMP sequence variant interpretation guidelines (Richards et al. 2015 PMID: 25741868, with internal and published modifications).

NM_004075.5(CRY1):c.-5C>T

Gene: CRY1 (cryptochrome circadian regulator 1; minus strand). Cytogenetic location: 12q23.3.
Variant type: single nucleotide variant.
Coding change: c.-5C>T on transcript NM_004075.5 (MANE Select); 5 bases upstream of the start codon, C replaced by T.
Molecular consequence: 5 prime UTR variant. On other transcripts: non-coding transcript variant (2).
Genome position (GRCh38, 1-based): chr12:107,092,966, G>A on the plus strand (C>T on the coding strand, the complement: CRY1 is on the minus strand). VCF-style: chr12-107092966-G-A. GRCh37 (hg19) VCF-style: chr12-107486744-G-A.
Other names: c.-5C>T (NM_001413458.1, NM_001413459.1, NM_001413460.1 and 3 more transcripts); c.-209C>T (NM_001413464.1, NM_001413465.1); c.-249C>T (NM_001413466.1); c.-447C>T (NM_001413467.1, NM_001413470.1); c.-462C>T (NM_001413468.1); c.-744C>T (NM_001413469.1).
Identifiers: ClinVar variation 3039039 (VCV003039039.2), dbSNP rs202236977, ClinGen allele CA6764434.
Genomic context (GRCh38, chr12:107,092,966, plus strand): 5'-GGGTTGTCGTGGAGCCGGAGCCCCTTTCGGAACCAGTGCACGGCGTTCACCCCCATGCCG[G>A]GGGGCGCGGCGGGTCCTCCACGGAGAAATTCAAGGAAGGAGGCTCCGGCTCATAGCCGAC-3'